The following is an entry in ClinVar:

NC_000006.11:g.(?_74304780)_(74363629_?)dup

Genes: SLC17A5 (solute carrier family 17 member 5; minus strand), LOC132089456 (Neanderthal introgressed variant-containing enhancer experimental_94414; plus strand), LOC132089457 (Neanderthal introgressed variant-containing enhancer experimental_94416; plus strand), LOC132089458 (Neanderthal introgressed variant-containing enhancer experimental_94418; plus strand), LOC132089453 (Neanderthal introgressed variant-containing enhancer experimental_94411; plus strand) and 8 more. Cytogenetic location: 6q13.
Variant type: Duplication.
Identifiers: ClinVar variation 532055 (VCV000532055.1).

ClinVar aggregate classification (germline): Uncertain significance (1 of 4 stars; one submission).

Conditions:
Salla disease (SD). Also called: Less Severe FSASD (Salla Disease); Sialuria, Finnish type; N-acetylneuraminic acid (NANA) storage disease (NSD); Infantile sialic acid storage disorder (ISSD). Identifiers: Orphanet 309334, Orphanet 834, MedGen C1096903, MONDO:0011449, OMIM 604369.

Submission:

Labcorp Genetics (formerly Invitae), Labcorp
Classification: Uncertain significance for Salla disease. Last evaluated: 2017-12-05. Review status: criteria provided, single submitter. Criteria: Invitae Variant Classification Sherloc (09022015). Collection method: clinical testing. Allele origin: germline.
Comment: A gross duplication of the genomic region encompassing the full coding sequence of the SLC17A5 gene has been identified. The boundaries of this event are unknown as the duplication extends beyond the assayed region for this gene and therefore may encompass additional genes. As the precise location of this duplication is unknown, it may be in tandem or it may be located elsewhere in the genome. This variant has not been reported in the literature in individuals with SLC17A5-related disease. In summary, the available evidence is currently insufficient to determine the role of this variant in disease. Therefore, it has been classified as a Variant of Uncertain Significance.